The following is an entry in ClinVar:

NM_001397406.1(FDX2):c.539C>G (p.Pro180Arg)

Genes: FDX2 (ferredoxin 2; minus strand), FDX2-ZGLP1 (FDX2-ZGLP1 readthrough; minus strand). Cytogenetic location: 19p13.2.
Variant type: single nucleotide variant.
Coding change: c.539C>G on transcript NM_001397406.1 (MANE Select); coding-DNA position 539, C replaced by G.
Protein change: p.Pro180Arg; replaces proline 180 with arginine.
Molecular consequence: missense variant.
Genome position (GRCh38, 1-based): chr19:10,310,499, G>C on the plus strand (C>G on the coding strand, the complement: FDX2 is on the minus strand). VCF-style: chr19-10310499-G-C. GRCh37 (hg19) VCF-style: chr19-10421175-G-C.
Other names: c.548C>G, p.Pro183Arg (NM_001031734.4); short protein forms P180R, P183R.
Identifiers: ClinVar variation 1898039 (VCV001898039.3), dbSNP rs1464247091, ClinGen allele CA403978250.

ClinVar aggregate classification (germline): Uncertain significance (1 of 4 stars; one submission).

gnomAD v4.1: 42 of 1,614,170 alleles (0.0026%); highest among the groups gnomAD compares: Non-Finnish European, 0.0033%; no homozygotes.

Submission:

Labcorp Genetics (formerly Invitae), Labcorp
Classification: Uncertain significance. Last evaluated: 2022-06-30. Review status: criteria provided, single submitter. Criteria: Invitae Variant Classification Sherloc (09022015). Collection method: clinical testing. Allele origin: germline.
Comment: Algorithms developed to predict the effect of missense changes on protein structure and function are either unavailable or do not agree on the potential impact of this missense change (SIFT: "Deleterious"; PolyPhen-2: "Not Available"; Align-GVGD: "Class C0"). This variant has not been reported in the literature in individuals affected with FDX2-related conditions. This variant is present in population databases (no rsID available, gnomAD 0.0009%). This sequence change replaces proline, which is neutral and non-polar, with arginine, which is basic and polar, at codon 183 of the FDX2 protein (p.Pro183Arg). In summary, the available evidence is currently insufficient to determine the role of this variant in disease. Therefore, it has been classified as a Variant of Uncertain Significance.